The following is an entry in ClinVar:

ClinVar aggregate classification (germline): Uncertain significance (1 of 4 stars; one submission).

Conditions:
Baller-Gerold syndrome (BGS). Also called: CRANIOSYNOSTOSIS WITH RADIAL DEFECTS. Identifiers: Orphanet 1225, MedGen C0265308, MONDO:0009039, OMIM 218600.

Allele frequency attached by ClinVar (database versions not stated): TOPMed 0.00001.

Submission:

Labcorp Genetics (formerly Invitae), Labcorp
Classification: Uncertain significance for Baller-Gerold syndrome. Last evaluated: 2023-12-08. Review status: criteria provided, single submitter. Criteria: Invitae Variant Classification Sherloc (09022015). Collection method: clinical testing. Allele origin: germline.
Comment: This sequence change replaces serine, which is neutral and polar, with phenylalanine, which is neutral and non-polar, at codon 1002 of the RECQL4 protein (p.Ser1002Phe). This variant is not present in population databases (gnomAD no frequency). This variant has not been reported in the literature in individuals affected with RECQL4-related conditions. Advanced modeling of protein sequence and biophysical properties (such as structural, functional, and spatial information, amino acid conservation, physicochemical variation, residue mobility, and thermodynamic stability) performed at Invitae indicates that this missense variant is not expected to disrupt RECQL4 protein function with a negative predictive value of 80%. In summary, the available evidence is currently insufficient to determine the role of this variant in disease. Therefore, it has been classified as a Variant of Uncertain Significance.

NM_004260.4(RECQL4):c.3005C>T (p.Ser1002Phe)

Gene: RECQL4 (RecQ like helicase 4; minus strand). Cytogenetic location: 8q24.3.
Variant type: single nucleotide variant.
Coding change: c.3005C>T on transcript NM_004260.4 (MANE Select); coding-DNA position 3005, C replaced by T.
Protein change: p.Ser1002Phe; replaces serine 1002 with phenylalanine.
Molecular consequence: missense variant. On other transcripts: non-coding transcript variant (3).
Genome position (GRCh38, 1-based): chr8:144,512,442, G>A on the plus strand (C>T on the coding strand, the complement: RECQL4 is on the minus strand). VCF-style: chr8-144512442-G-A. GRCh37 (hg19) VCF-style: chr8-145737825-G-A.
Other names: c.2711C>T, p.Ser904Phe (NM_001413017.1); c.2807C>T, p.Ser936Phe (NM_001413018.1); c.3080C>T, p.Ser1027Phe (NM_001413019.1); c.2909C>T, p.Ser970Phe (NM_001413020.1); c.1934C>T, p.Ser645Phe (NM_001413021.1, NM_001413022.1, NM_001413024.1 and 4 more transcripts); c.2009C>T, p.Ser670Phe (NM_001413023.1); c.2876C>T, p.Ser959Phe (NM_001413025.1); c.1868C>T, p.Ser623Phe (NM_001413027.1, NM_001413030.1, NM_001413032.1); and 9 more; short protein forms S635F, S958F, S992F, S1002F, S513F, S623F, S936F, S1027F.
Identifiers: ClinVar variation 2744983 (VCV002744983.3), dbSNP rs1320482850, ClinGen allele CA372671475.